The following is an entry in ClinVar:

ClinVar aggregate classification (germline): Uncertain significance (1 of 4 stars; one submission).

Submission:

Labcorp Genetics (formerly Invitae), Labcorp
Classification: Uncertain significance. Last evaluated: 2023-05-03. Review status: criteria provided, single submitter. Criteria: Invitae Variant Classification Sherloc (09022015). Collection method: clinical testing. Allele origin: germline.
Comment: In summary, the available evidence is currently insufficient to determine the role of this variant in disease. Therefore, it has been classified as a Variant of Uncertain Significance. Advanced modeling of protein sequence and biophysical properties (such as structural, functional, and spatial information, amino acid conservation, physicochemical variation, residue mobility, and thermodynamic stability) performed at Invitae indicates that this missense variant is expected to disrupt CTNNA1 protein function. This variant has not been reported in the literature in individuals affected with CTNNA1-related conditions. This variant is not present in population databases (gnomAD no frequency). This sequence change replaces lysine, which is basic and polar, with methionine, which is neutral and non-polar, at codon 758 of the CTNNA1 protein (p.Lys758Met).

NM_001903.5(CTNNA1):c.2273A>T (p.Lys758Met)

Gene: CTNNA1 (catenin alpha 1; plus strand). Cytogenetic location: 5q31.2.
Variant type: single nucleotide variant.
Coding change: c.2273A>T on transcript NM_001903.5 (MANE Select); coding-DNA position 2273, A replaced by T.
Protein change: p.Lys758Met; replaces lysine 758 with methionine.
Molecular consequence: missense variant.
Genome position (GRCh38, 1-based): chr5:138,930,910, A>T. VCF-style: chr5-138930910-A-T. GRCh37 (hg19) VCF-style: chr5-138266599-A-T.
Other names: c.2273A>T, p.Lys758Met (NM_001290307.3, NM_001323982.2, NM_001323983.1 and 2 more transcripts); c.1964A>T, p.Lys655Met (NM_001290309.3); c.1904A>T, p.Lys635Met (NM_001290310.3); c.1163A>T, p.Lys388Met (NM_001290312.1, NM_001323987.1, NM_001323988.1 and 17 more transcripts); c.2180A>T, p.Lys727Met (NM_001323986.2); c.920A>T, p.Lys307Met (NM_001324012.1, NM_001324013.1); c.824A>T, p.Lys275Met (NM_001324006.1, NM_001324007.1, NM_001324008.1 and 2 more transcripts); c.1070A>T, p.Lys357Met (NM_001324011.1); short protein forms K635M, K727M, K758M, K307M, K357M, K655M, K275M, K388M.
Identifiers: ClinVar variation 2860574 (VCV002860574.3), dbSNP rs2533861394, ClinGen allele CA361133926.